The following is an entry in ClinVar:

ClinVar aggregate classification (germline): Pathogenic (1 of 4 stars; one submission).

Conditions:
Early-infantile DEE. Also called: Ohtahara syndrome; Early infantile epileptic encephalopathy with suppression bursts; Early infantile epileptic encephalopathy. Identifiers: Orphanet 1934, MedGen C0393706, MONDO:0800491.

Submission:

Labcorp Genetics (formerly Invitae), Labcorp
Classification: Pathogenic for Early-infantile DEE. Last evaluated: 2023-05-19. Review status: criteria provided, single submitter. Criteria: Invitae Variant Classification Sherloc (09022015). Collection method: clinical testing. Allele origin: germline.
Comment: This sequence change affects an acceptor splice site in intron 14 of the SCN1A gene. It is expected to disrupt RNA splicing. Variants that disrupt the donor or acceptor splice site typically lead to a loss of protein function (PMID: 16199547), and loss-of-function variants in SCN1A are known to be pathogenic (PMID: 17347258, 18930999). This variant is not present in population databases (gnomAD no frequency). Disruption of this splice site has been observed in individual(s) with Dravet syndrome and/or epilepsy (PMID: 29408779; Invitae). Algorithms developed to predict the effect of sequence changes on RNA splicing suggest that this variant may disrupt the consensus splice site. For these reasons, this variant has been classified as Pathogenic.

Literature cited by the submitters: PubMed 16199547; PubMed 17347258; PubMed 18930999; PubMed 29408779.

NM_001165963.4(SCN1A):c.2590-1G>T

Gene: SCN1A (sodium voltage-gated channel alpha subunit 1; minus strand). Cytogenetic location: 2q24.3.
Variant type: single nucleotide variant.
Coding change: c.2590-1G>T on transcript NM_001165963.4 (MANE Select); the canonical splice acceptor site of the intron before coding-DNA position 2590, G replaced by T.
Molecular consequence: splice acceptor variant.
Genome position (GRCh38, 1-based): chr2:166,038,133, C>A on the plus strand (G>T on the coding strand, the complement: SCN1A is on the minus strand). VCF-style: chr2-166038133-C-A. GRCh37 (hg19) VCF-style: chr2-166894643-C-A.
Other names: c.2557-1G>T (NM_001353949.2, NM_001353950.2, NM_001353951.2 and 2 more transcripts); c.2506-1G>T (NM_001353958.2, NM_001353957.2, NM_001165964.3); c.2590-1G>T (NM_001202435.3, NM_001353948.2); c.2554-1G>T (NM_001353955.2, NM_001353954.2); c.2503-1G>T (NM_001353960.2); c.148-1G>T (NM_001353961.2).
Identifiers: ClinVar variation 2865956 (VCV002865956.3), dbSNP rs2105808993, ClinGen allele CA349061832.